The following is an entry in ClinVar:

ClinVar aggregate classification (germline): Benign/Likely benign. Review status: criteria provided, multiple submitters, no conflicts (2 of 4 stars). 3 submissions from 3 submitters: Benign (1); Likely benign (1). 1 of the submissions does not count toward it. Last evaluated 2026-09-01.

Conditions:
LAMA5-related disorder. Also called: LAMA5-Related Disorders; LAMA5-related condition.

Allele frequency attached by ClinVar (database versions not stated): TOPMed 0.00066; gnomAD 0.00068 and 0.00076; gnomAD exomes 0.00076; ESP Exome Variant Server 0.00077; 1000 Genomes Project 0.00100; 1000 Genomes Project 30x 0.00109; ExAC 0.00117.
gnomAD v4.1: 1,000 of 1,603,718 alleles (0.062%); highest among the groups gnomAD compares: South Asian, 0.3%; 2 homozygotes.

Submissions (3):

CeGaT Center for Human Genetics Tuebingen
Classification: Likely benign. Last evaluated: 2026-09-01. Review status: criteria provided, single submitter. Criteria: CeGaT Center For Human Genetics Tuebingen Variant Classification Criteria Version 2. Collection method: clinical testing. Allele origin: germline. Affected: yes. Observed: 2 variant alleles.
Comment: LAMA5: BP4, BP7

Labcorp Genetics (formerly Invitae), Labcorp
Classification: Benign. Last evaluated: 2025-12-03. Review status: criteria provided, single submitter. Criteria: Invitae Variant Classification Sherloc (09022015). Collection method: clinical testing. Allele origin: germline.

PreventionGenetics, part of Exact Sciences
Classification: Likely benign for LAMA5-related condition. Last evaluated: 2020-01-03. Review status: no assertion criteria provided. Collection method: clinical testing. Allele origin: germline. Not counted in ClinVar's aggregate classification.
Comment: This variant is classified as likely benign based on ACMG/AMP sequence variant interpretation guidelines (Richards et al. 2015 PMID: 25741868, with internal and published modifications).

NM_005560.6(LAMA5):c.5772C>T (p.Phe1924=)

Gene: LAMA5 (laminin subunit alpha 5; minus strand). Cytogenetic location: 20q13.33.
Variant type: single nucleotide variant.
Coding change: c.5772C>T on transcript NM_005560.6 (MANE Select); coding-DNA position 5772, C replaced by T.
Protein change: p.Phe1924=; no amino-acid change (phenylalanine 1924 retained).
Molecular consequence: synonymous variant.
Genome position (GRCh38, 1-based): chr20:62,323,853, G>A on the plus strand (C>T on the coding strand, the complement: LAMA5 is on the minus strand). VCF-style: chr20-62323853-G-A. GRCh37 (hg19) VCF-style: chr20-60898909-G-A.
Identifiers: ClinVar variation 735752 (VCV000735752.12), dbSNP rs146304356, ClinGen allele CA9942036.
Genomic context (GRCh38, chr20:62,323,853, plus strand): 5'-TGCATAACCAGGTTTGCAGAGGCACTGGGTGCGGCCGCCTCGCAGGACACAGCCCTCGGC[G>A]AAGCTGCAAAGACCAGCAGCGTCAGTCACTAGGCCCCTGGCAGTGCCCGGGCCCGGGCGA-3'
Protein context (NP_005551.3, residues 1914-1934): PCPLSVPSNN[Phe1924=]AEGCVLRGGR